The following is an entry in ClinVar:

NM_020856.4(TSHZ3):c.486C>T (p.Ser162=)

Gene: TSHZ3 (teashirt zinc finger homeobox 3; minus strand). Cytogenetic location: 19q12.
Variant type: single nucleotide variant.
Coding change: c.486C>T on transcript NM_020856.4 (MANE Select); coding-DNA position 486, C replaced by T.
Protein change: p.Ser162=; no amino-acid change (serine 162 retained).
Molecular consequence: synonymous variant.
Genome position (GRCh38, 1-based): chr19:31,279,307, G>A on the plus strand (C>T on the coding strand, the complement: TSHZ3 is on the minus strand). VCF-style: chr19-31279307-G-A. GRCh37 (hg19) VCF-style: chr19-31770213-G-A.
Identifiers: ClinVar variation 3038905 (VCV003038905.2), dbSNP rs61742321, ClinGen allele CA9354463.

ClinVar aggregate classification (germline): Benign (0 of 4 stars; one submission).

Conditions:
TSHZ3-related disorder. Also called: TSHZ3-related condition.

Allele frequency attached by ClinVar (database versions not stated): 1000 Genomes Project 0.01258; 1000 Genomes Project 30x 0.01280; gnomAD 0.01860; ESP Exome Variant Server 0.01878.
gnomAD v4.1: 34,087 of 1,613,398 alleles (2.1%); highest among the groups gnomAD compares: Non-Finnish European, 2.4%; 413 homozygotes.

Submission:

PreventionGenetics, part of Exact Sciences
Classification: Benign for TSHZ3-related condition. Last evaluated: 2019-10-24. Review status: no assertion criteria provided. Collection method: clinical testing. Allele origin: germline.
Comment: This variant is classified as benign based on ACMG/AMP sequence variant interpretation guidelines (Richards et al. 2015 PMID: 25741868, with internal and published modifications).